The following is an entry in ClinVar:

ClinVar aggregate classification (germline): Pathogenic (1 of 4 stars; one submission).

Conditions:
Long QT syndrome (LQTS). Identifiers: MedGen C0023976, MeSH D008133, MONDO:0002442. Disease mechanism: loss of function. Inheritance: Various modes of inheritance.

Submission:

Labcorp Genetics (formerly Invitae), Labcorp
Classification: Pathogenic for Long QT syndrome. Last evaluated: 2025-02-12. Review status: criteria provided, single submitter. Criteria: Invitae Variant Classification Sherloc (09022015). Collection method: clinical testing. Allele origin: germline.
Comment: This sequence change creates a premature translational stop signal (p.Val205Argfs*80) in the KCNQ1 gene. It is expected to result in an absent or disrupted protein product. Loss-of-function variants in KCNQ1 are known to be pathogenic (PMID: 9323054, 19862833). This variant is not present in population databases (gnomAD no frequency). This variant has not been reported in the literature in individuals affected with KCNQ1-related conditions. For these reasons, this variant has been classified as Pathogenic.

Literature cited by the submitters: PubMed 9323054; PubMed 19862833.

NM_000218.3(KCNQ1):c.612dup (p.Val205fs)

Gene: KCNQ1 (potassium voltage-gated channel subfamily Q member 1; plus strand). Cytogenetic location: 11p15.5.
Variant type: Duplication.
Coding change: c.612dup on transcript NM_000218.3 (MANE Select); coding-DNA position 612, one base duplicated (C; older notation c.612dupC).
Protein change: p.Val205fs; shifts the reading frame from valine 205.
Molecular consequence: frameshift variant. On other transcripts: intron variant (1).
Genome position (GRCh38, 1-based): chr11:2,571,332, C duplicated. VCF-style (leftmost placement, unchanged base first): chr11-2571331-T-TC. GRCh37 (hg19) VCF-style: chr11-2592561-T-TC.
Other names: c.612dup, p.Val205fs (NM_001406836.1); c.342dup, p.Val115fs (NM_001406837.1); c.231dup, p.Val78fs (NM_181798.2); c.478-12103dup (NM_001406838.1); short protein forms V115fs, V205fs, V78fs.
Identifiers: ClinVar variation 4811016 (VCV004811016.1).